The following is an entry in ClinVar:

NM_006080.3(SEMA3A):c.58G>A (p.Ala20Thr)

Gene: SEMA3A (semaphorin 3A; minus strand). Cytogenetic location: 7q21.11.
Variant type: single nucleotide variant.
Coding change: c.58G>A on transcript NM_006080.3 (MANE Select); coding-DNA position 58, G replaced by A.
Protein change: p.Ala20Thr; replaces alanine 20 with threonine.
Molecular consequence: missense variant.
Genome position (GRCh38, 1-based): chr7:84,194,529, C>T on the plus strand (G>A on the coding strand, the complement: SEMA3A is on the minus strand). VCF-style: chr7-84194529-C-T. GRCh37 (hg19) VCF-style: chr7-83823845-C-T.
Other names: short protein forms A20T.
Identifiers: ClinVar variation 2024816 (VCV002024816.4), dbSNP rs1416953981, ClinGen allele CA368021853.

ClinVar aggregate classification (germline): Uncertain significance (1 of 4 stars; one submission).

Allele frequency attached by ClinVar (database versions not stated): gnomAD exomes below 0.00001.
gnomAD v4.1: 2 of 1,613,488 alleles (0.00012%); highest among the groups gnomAD compares: Admixed American, 0.0017%; no homozygotes.

Submission:

Labcorp Genetics (formerly Invitae), Labcorp
Classification: Uncertain significance. Last evaluated: 2022-08-19. Review status: criteria provided, single submitter. Criteria: Invitae Variant Classification Sherloc (09022015). Collection method: clinical testing. Allele origin: germline.
Comment: This sequence change replaces alanine, which is neutral and non-polar, with threonine, which is neutral and polar, at codon 20 of the SEMA3A protein (p.Ala20Thr). This variant is present in population databases (no rsID available, gnomAD 0.003%). This variant has not been reported in the literature in individuals affected with SEMA3A-related conditions. Algorithms developed to predict the effect of missense changes on protein structure and function (SIFT, PolyPhen-2, Align-GVGD) all suggest that this variant is likely to be tolerated. In summary, the available evidence is currently insufficient to determine the role of this variant in disease. Therefore, it has been classified as a Variant of Uncertain Significance.